The following is an entry in ClinVar:

ClinVar aggregate classification (germline): Conflicting classifications of pathogenicity. Review status: criteria provided, conflicting classifications (1 of 4 stars). 2 submissions from 2 submitters: Uncertain significance (1); Likely benign (1). Last evaluated 2023-03-01.

Conditions:
Retinitis pigmentosa (RP). Identifiers: Orphanet 791, MedGen C0035334, MeSH D012174, MONDO:0019200, OMIM 268000. Inheritance: Autosomal dominant, autosomal recessive and X linked inheritance.

Allele frequency attached by ClinVar (database versions not stated): 1000 Genomes Project 0.00160; 1000 Genomes Project 30x 0.00187; TOPMed 0.00591; gnomAD 0.00625; gnomAD exomes 0.02222.
gnomAD v4.1: 915 of 152,376 alleles (0.6%); highest among the groups gnomAD compares: Non-Finnish European, 1%; 2 homozygotes.

Submissions (2):

CeGaT Center for Human Genetics Tuebingen
Classification: Likely benign. Last evaluated: 2023-03-01. Review status: criteria provided, single submitter. Criteria: CeGaT Center For Human Genetics Tuebingen Variant Classification Criteria Version 2. Collection method: clinical testing. Allele origin: germline. Affected: yes. Observed: 2 variant alleles.
Comment: PCARE: BS1

Illumina Laboratory Services, Illumina
Classification: Uncertain significance for Retinitis pigmentosa. Last evaluated: 2018-01-13. Review status: criteria provided, single submitter. Criteria: ICSL Variant Classification Criteria 13 December 2019. Collection method: clinical testing. Allele origin: germline.

NM_001029883.3(PCARE):c.*2562G>C

Gene: PCARE (photoreceptor cilium actin regulator; minus strand). Cytogenetic location: 2p23.2.
Variant type: single nucleotide variant.
Coding change: c.*2562G>C on transcript NM_001029883.3 (MANE Select); 2562 bases downstream of the stop codon, G replaced by C.
Molecular consequence: 3 prime UTR variant.
Genome position (GRCh38, 1-based): chr2:29,062,307, C>G on the plus strand (G>C on the coding strand, the complement: PCARE is on the minus strand). VCF-style: chr2-29062307-C-G. GRCh37 (hg19) VCF-style: chr2-29285173-C-G.
Identifiers: ClinVar variation 335581 (VCV000335581.29), dbSNP rs188247308, ClinGen allele CA10613084.